The following is an entry in ClinVar:

NM_001931.5(DLAT):c.253T>G (p.Tyr85Asp)

Gene: DLAT (dihydrolipoamide S-acetyltransferase; plus strand). Cytogenetic location: 11q23.1.
Variant type: single nucleotide variant.
Coding change: c.253T>G on transcript NM_001931.5 (MANE Select); coding-DNA position 253, T replaced by G.
Protein change: p.Tyr85Asp; replaces tyrosine 85 with aspartic acid.
Molecular consequence: missense variant. On other transcripts: 5 prime UTR variant (1), non-coding transcript variant (1), intron variant (1).
Genome position (GRCh38, 1-based): chr11:112,025,725, T>G. VCF-style: chr11-112025725-T-G. GRCh37 (hg19) VCF-style: chr11-111896449-T-G.
Other names: c.253T>G, p.Tyr85Asp (NM_001372031.1, NM_001372032.1, NM_001372033.1 and 6 more transcripts); c.212T>G, p.Leu71Arg (NM_001372036.1); c.-214T>G (NM_001372042.1); c.111+101T>G (NM_001372037.1); short protein forms Y85D, L71R.
Identifiers: ClinVar variation 1977862 (VCV001977862.5), dbSNP rs782202863, ClinGen allele CA382596528.

ClinVar aggregate classification (germline): Uncertain significance (1 of 4 stars; one submission).

Conditions:
Pyruvate dehydrogenase E2 deficiency (PDHDD). Also called: Dihydrolipoamide Acetyltransferase (E2) Deficiency; LACTIC ACIDEMIA DUE TO DEFECT OF E2 LIPOYL TRANSACETYLASE OF THE PYRUVATE DEHYDROGENASE COMPLEX. Identifiers: Orphanet 765, Orphanet 79244, MedGen C1855565, MONDO:0009502, OMIM 245348.

gnomAD v4.1: 5 of 1,612,984 alleles (0.00031%); highest among the groups gnomAD compares: African/African-American, 0.0067%; no homozygotes.

Submission:

Labcorp Genetics (formerly Invitae), Labcorp
Classification: Uncertain significance for Pyruvate dehydrogenase E2 deficiency. Last evaluated: 2022-04-11. Review status: criteria provided, single submitter. Criteria: Invitae Variant Classification Sherloc (09022015). Collection method: clinical testing. Allele origin: germline.
Comment: In summary, the available evidence is currently insufficient to determine the role of this variant in disease. Therefore, it has been classified as a Variant of Uncertain Significance. Advanced modeling of protein sequence and biophysical properties (such as structural, functional, and spatial information, amino acid conservation, physicochemical variation, residue mobility, and thermodynamic stability) performed at Invitae indicates that this missense variant is not expected to disrupt DLAT protein function. This variant has not been reported in the literature in individuals affected with DLAT-related conditions. This variant is present in population databases (no rsID available, gnomAD 0.007%). This sequence change replaces tyrosine, which is neutral and polar, with aspartic acid, which is acidic and polar, at codon 85 of the DLAT protein (p.Tyr85Asp).